The following is an entry in ClinVar:

ClinVar aggregate classification (germline): Uncertain significance. Review status: criteria provided, multiple submitters, no conflicts (2 of 4 stars). 2 submissions from 2 submitters: Uncertain significance (2). Last evaluated 2025-03-31.

Allele frequency attached by ClinVar (database versions not stated): ExAC 0.00001; gnomAD exomes below 0.00001.

Submissions (2):

Labcorp Genetics (formerly Invitae), Labcorp
Classification: Uncertain significance. Last evaluated: 2025-03-31. Review status: criteria provided, single submitter. Criteria: Invitae Variant Classification Sherloc (09022015). Collection method: clinical testing. Allele origin: germline.
Comment: This sequence change replaces glutamic acid, which is acidic and polar, with lysine, which is basic and polar, at codon 392 of the SULF1 protein (p.Glu392Lys). This variant is present in population databases (rs760255339, gnomAD 0.0009%). This variant has not been reported in the literature in individuals affected with SULF1-related conditions. ClinVar contains an entry for this variant (Variation ID: 2316593). An algorithm developed to predict the effect of missense changes on protein structure and function (PolyPhen-2) suggests that this variant is likely to be tolerated. In summary, the available evidence is currently insufficient to determine the role of this variant in disease. Therefore, it has been classified as a Variant of Uncertain Significance.

Ambry Genetics
Classification: Uncertain significance. Last evaluated: 2022-10-04. Review status: criteria provided, single submitter. Criteria: Ambry Variant Classification Scheme 2023. Collection method: clinical testing. Allele origin: germline.

NM_001128205.2(SULF1):c.1174G>A (p.Glu392Lys)

Gene: SULF1 (sulfatase 1; plus strand). Cytogenetic location: 8q13.3.
Variant type: single nucleotide variant.
Coding change: c.1174G>A on transcript NM_001128205.2 (MANE Select); coding-DNA position 1174, G replaced by A.
Protein change: p.Glu392Lys; replaces glutamic acid 392 with lysine.
Molecular consequence: missense variant. On other transcripts: non-coding transcript variant (3).
Genome position (GRCh38, 1-based): chr8:69,603,304, G>A. VCF-style: chr8-69603304-G-A. GRCh37 (hg19) VCF-style: chr8-70515539-G-A.
Other names: c.1174G>A, p.Glu392Lys (NM_001128204.2, NM_001128206.2, NM_001412828.1 and 15 more transcripts); c.988G>A, p.Glu330Lys (NM_001412841.1, NM_001412842.1); c.574G>A, p.Glu192Lys (NM_001412844.1, NM_001412845.1); c.-602G>A (NM_001412846.1); short protein forms E192K, E392K, E330K.
Identifiers: ClinVar variation 2316593 (VCV002316593.4), dbSNP rs760255339, ClinGen allele CA4775797.
Genomic context (GRCh38, chr8:69,603,304, plus strand): 5'-GCTGGGCTCGACACACCTCCTGATGTGGACGGCAAGTCTGTCCTCAAACTTCTGGACCCA[G>A]AAAAGCCAGGTAACAGGTGTGTCATTGTTCCTCCTCTCAGCCAGCCCCAAATACACTGAG-3'
Protein context (NP_001121677.1, residues 382-402): GKSVLKLLDP[Glu392Lys]KPGNRFRTNK